The following is an entry in ClinVar:

NM_144508.5(KNL1):c.5542C>T (p.Gln1848Ter)

Gene: KNL1 (kinetochore scaffold 1; plus strand). Cytogenetic location: 15q15.1.
Variant type: single nucleotide variant.
Coding change: c.5542C>T on transcript NM_144508.5 (MANE Select); coding-DNA position 5542, C replaced by T.
Protein change: p.Gln1848Ter; replaces glutamine 1848 with a stop codon.
Molecular consequence: nonsense.
Genome position (GRCh38, 1-based): chr15:40,628,637, C>T. VCF-style: chr15-40628637-C-T. GRCh37 (hg19) VCF-style: chr15-40920835-C-T.
Other names: c.5620C>T, p.Gln1874Ter (NM_170589.5); short protein forms Q1874*, Q1848*.
Identifiers: ClinVar variation 489319 (VCV000489319.2), dbSNP rs1555421269, ClinGen allele CA391770700.

ClinVar aggregate classification (germline): Likely pathogenic (1 of 4 stars; one submission).

Submission:

GeneDx
Classification: Likely pathogenic. Last evaluated: 2018-01-12. Review status: criteria provided, single submitter. Criteria: GeneDx Variant Classification (06012015). Collection method: clinical testing. Allele origin: germline. Affected: yes.
Comment: The Q1874X variant in the KNL1 gene has not been reported previously as a pathogenic variant nor as a benign variant, to our knowledge. This variant is predicted to cause loss of normal protein function either through protein truncation or nonsense-mediated mRNA decay. The Q1874X variant is not observed in large population cohorts (Lek et al., 2016). We interpret Q1874X as a likely pathogenic variant.